The following is an entry in ClinVar:

ClinVar aggregate classification (germline): Benign/Likely benign. Review status: criteria provided, multiple submitters, no conflicts (2 of 4 stars). 2 submissions from 2 submitters: Benign (1); Likely benign (1). Last evaluated 2025-03-04.

Allele frequency attached by ClinVar (database versions not stated): gnomAD exomes 0.00122 and 0.00346; ExAC 0.00430; gnomAD 0.01228 and 0.01319; 1000 Genomes Project 0.01238; 1000 Genomes Project 30x 0.01343; TOPMed 0.01391; ESP Exome Variant Server 0.01469.
gnomAD v4.1: 3,664 of 1,582,276 alleles (0.23%); highest among the groups gnomAD compares: African/African-American, 4.4%; 86 homozygotes.

Submissions (2):

Center for Genomic Medicine, Rigshospitalet, Copenhagen University Hospital
Classification: Benign. Last evaluated: 2025-03-04. Review status: criteria provided, single submitter. Criteria: ACMG Guidelines, 2015. Collection method: clinical testing. Allele origin: germline.

GeneDx
Classification: Likely benign. Last evaluated: 2018-06-18. Review status: criteria provided, single submitter. Criteria: GeneDx Variant Classification (06012015). Collection method: clinical testing. Allele origin: germline. Affected: yes.
Comment: This variant is considered likely benign or benign based on one or more of the following criteria: it is a conservative change, it occurs at a poorly conserved position in the protein, it is predicted to be benign by multiple in silico algorithms, and/or has population frequency not consistent with disease.

NM_002691.4(POLD1):c.2251-23A>G

Gene: POLD1 (DNA polymerase delta 1, catalytic subunit; plus strand). Cytogenetic location: 19q13.33.
Variant type: single nucleotide variant.
Coding change: c.2251-23A>G on transcript NM_002691.4 (MANE Select); 23 bases into the intron before coding-DNA position 2251, A replaced by G.
Molecular consequence: intron variant.
Genome position (GRCh38, 1-based): chr19:50,413,719, A>G. VCF-style: chr19-50413719-A-G. GRCh37 (hg19) VCF-style: chr19-50916976-A-G.
Other names: c.2251-23A>G (NM_001256849.1); c.2329-23A>G (NM_001308632.1).
Identifiers: ClinVar variation 676636 (VCV000676636.8), dbSNP rs3218769, ClinGen allele CA9596463.